The following is an entry in ClinVar:

ClinVar aggregate classification (germline): Uncertain significance. Review status: criteria provided, multiple submitters, no conflicts (2 of 4 stars). 2 submissions from 2 submitters: Uncertain significance (2). Last evaluated 2024-11-17.

Conditions:
Cardiomyopathy (CMYO). Also called: Cardiomyopathies. Identifiers: Orphanet 167848, MedGen C0878544, MONDO:0004994, HP:0001638. Inheritance: Various modes of inheritance.
Arrhythmogenic right ventricular dysplasia 10. Also called: Arrhythmogenic right ventricular dysplasia/cardiomyopathy, type 10; Arrhythmogenic Right Ventricular Dysplasia/Cardiomyopathy10; ARRHYTHMOGENIC RIGHT VENTRICULAR DYSPLASIA, FAMILIAL, 10. Identifiers: MedGen C1857777, MONDO:0012434, OMIM 610193.

gnomAD v4.1: 1 of 1,614,118 alleles (0.000062%); highest among the groups gnomAD compares: Admixed American, 0.0017%; no homozygotes.

Submissions (2):

Color Diagnostics, LLC DBA Color Health
Classification: Uncertain significance for Cardiomyopathy. Last evaluated: 2024-11-17. Review status: criteria provided, single submitter. Criteria: ACMG Guidelines, 2015. Collection method: clinical testing. Allele origin: germline.
Comment: This missense variant replaces valine with isoleucine at codon 253 of the DSG2 protein. Computational prediction suggests that this variant may not impact protein structure and function (internally defined REVEL score threshold <= 0.5, PMID: 27666373). To our knowledge, functional studies have not been reported for this variant. This variant has not been reported in individuals affected with DSG2-related disorders in the literature. This variant has been identified in 1/248874 chromosomes in the general population by the Genome Aggregation Database (gnomAD). The available evidence is insufficient to determine the role of this variant in disease conclusively. Therefore, this variant is classified as a Variant of Uncertain Significance.

Labcorp Genetics (formerly Invitae), Labcorp
Classification: Uncertain significance for Arrhythmogenic right ventricular dysplasia 10. Last evaluated: 2024-07-30. Review status: criteria provided, single submitter. Criteria: Invitae Variant Classification Sherloc (09022015). Collection method: clinical testing. Allele origin: germline.
Comment: This sequence change replaces valine, which is neutral and non-polar, with isoleucine, which is neutral and non-polar, at codon 253 of the DSG2 protein (p.Val253Ile). This variant is present in population databases (no rsID available, gnomAD 0.003%). This variant has not been reported in the literature in individuals affected with DSG2-related conditions. Advanced modeling of protein sequence and biophysical properties (such as structural, functional, and spatial information, amino acid conservation, physicochemical variation, residue mobility, and thermodynamic stability) performed at Invitae indicates that this missense variant is not expected to disrupt DSG2 protein function with a negative predictive value of 95%. In summary, the available evidence is currently insufficient to determine the role of this variant in disease. Therefore, it has been classified as a Variant of Uncertain Significance.

NM_001943.5(DSG2):c.757G>A (p.Val253Ile)

Gene: DSG2 (desmoglein 2; plus strand). Cytogenetic location: 18q12.1.
Variant type: single nucleotide variant.
Coding change: c.757G>A on transcript NM_001943.5 (MANE Select); coding-DNA position 757, G replaced by A.
Protein change: p.Val253Ile; replaces valine 253 with isoleucine.
Molecular consequence: missense variant.
Genome position (GRCh38, 1-based): chr18:31,524,514, G>A. VCF-style: chr18-31524514-G-A. GRCh37 (hg19) VCF-style: chr18-29104477-G-A.
Other names: short protein forms V253I.
Identifiers: ClinVar variation 3667498 (VCV003667498.3).
Genomic context (GRCh38, chr18:31,524,514, plus strand): 5'-AGCAGCTACACTTTGACAGTAGAAGCAAGAGATGGCAATGGAGAAGTTACAGACAAACCT[G>A]TAAAACAAGCTCAAGTTCAGATTCGTATTTTGGATGTCAATGACAATATACCTGTAGTAG-3'
Protein context (NP_001934.2, residues 243-263): DGNGEVTDKP[Val253Ile]KQAQVQIRIL